The following is an entry in ClinVar:

ClinVar aggregate classification (germline): Conflicting classifications of pathogenicity. Review status: criteria provided, conflicting classifications (1 of 4 stars). 9 submissions from 9 submitters: Uncertain significance (1); Benign (4); Likely benign (4). Last evaluated 2026-02-01.

Conditions:
Primary ciliary dyskinesia. Also called: Ciliary dyskinesia. Identifiers: Orphanet 244, MedGen C0008780, MONDO:0016575, HP:0012265.

Allele frequency attached by ClinVar (database versions not stated): 1000 Genomes Project 30x 0.00156; 1000 Genomes Project 0.00160; gnomAD 0.00286 and 0.00308; ESP Exome Variant Server 0.00318; TOPMed 0.00352; gnomAD exomes 0.00360 and 0.00300; ExAC 0.00299.
gnomAD v4.1: 5,736 of 1,613,800 alleles (0.36%); highest among the groups gnomAD compares: Admixed American, 0.44%; 23 homozygotes.

Submissions (9):

Labcorp Genetics (formerly Invitae), Labcorp
Classification: Benign for Primary ciliary dyskinesia. Last evaluated: 2026-02-01. Review status: criteria provided, single submitter. Criteria: Invitae Variant Classification Sherloc (09022015). Collection method: clinical testing. Allele origin: germline.

CeGaT Center for Human Genetics Tuebingen
Classification: Likely benign. Last evaluated: 2025-09-01. Review status: criteria provided, single submitter. Criteria: CeGaT Center For Human Genetics Tuebingen Variant Classification Criteria Version 2. Collection method: clinical testing. Allele origin: germline. Affected: yes. Observed: 3 variant alleles.
Comment: DNAH11: BP4, BP7, BS2

Blueprint Genetics
Classification: Likely benign. Last evaluated: 2024-11-26. Review status: criteria provided, single submitter. Criteria: ACMG Guidelines, 2015. Collection method: clinical testing. Allele origin: germline.

Mayo Clinic Laboratories, Mayo Clinic
Classification: Benign. Last evaluated: 2024-11-12. Review status: criteria provided, single submitter. Criteria: ACMG Guidelines, 2015. Collection method: clinical testing. Allele origin: germline. Observed: 2 variant alleles.
Comment: BS1, BS2

GeneDx
Classification: Uncertain significance. Last evaluated: 2021-11-11. Review status: criteria provided, single submitter. Criteria: GeneDx Variant Classification Process June 2021. Collection method: clinical testing. Allele origin: germline. Affected: yes.
Comment: In silico analysis, which includes splice predictors and evolutionary conservation, suggests this variant may impact gene splicing. In the absence of RNA/functional studies, the actual effect of this sequence change is unknown.; Has not been previously published as pathogenic or benign to our knowledge

Ambry Genetics
Classification: Likely benign for Primary ciliary dyskinesia. Last evaluated: 2015-12-24. Review status: criteria provided, single submitter. Criteria: Ambry Variant Classification Scheme 2023. Collection method: clinical testing. Allele origin: germline.

Eurofins Ntd Llc (ga)
Classification: Likely benign. Last evaluated: 2015-04-21. Review status: criteria provided, single submitter. Criteria: EGL Classification Definitions 2015. Collection method: clinical testing. Allele origin: germline. Observed: 1 variant allele, 1 heterozygote.

Laboratory for Molecular Medicine, Mass General Brigham Personalized Medicine
Classification: Benign. Last evaluated: 2013-02-21. Review status: criteria provided, single submitter. Criteria: LMM Criteria. Collection method: clinical testing. Allele origin: germline. Observed: 1 variant allele.
Comment: Leu1079Leu in exon 16 of DNAH11: This variant is not expected to have clinical s ignificance because it does not alter an amino acid residue and is not located w ithin the splice consensus sequence. It has been identified in 0.4% (35/8216) of European American chromosomes from a broad population by the NHLBI Exome Sequen cing Project (dbSNP rs72657304).

PreventionGenetics, part of Exact Sciences
Classification: Benign. Review status: criteria provided, single submitter. Criteria: ACMG Guidelines, 2015. Collection method: clinical testing. Allele origin: germline.

NM_001277115.2(DNAH11):c.3237T>C (p.Leu1079=)

Genes: DNAH11 (dynein axonemal heavy chain 11; plus strand), LOC126859961 (BRD4-independent group 4 enhancer GRCh37_chr7:21639662-21640861; plus strand). Cytogenetic location: 7p15.3.
Variant type: single nucleotide variant.
Coding change: c.3237T>C on transcript NM_001277115.2 (MANE Select); coding-DNA position 3237, T replaced by C.
Protein change: p.Leu1079=; no amino-acid change (leucine 1079 retained).
Molecular consequence: synonymous variant.
Genome position (GRCh38, 1-based): chr7:21,600,912, T>C. VCF-style: chr7-21600912-T-C. GRCh37 (hg19) VCF-style: chr7-21640530-T-C.
Other names: p.Leu1079=.
Identifiers: ClinVar variation 194618 (VCV000194618.63), dbSNP rs72657304, ClinGen allele CA201265.
Genomic context (GRCh38, chr7:21,600,912, plus strand): 5'-GTCTTCCGATGAAATGGATGCTCATGCAAATGAAGAAATTCCCGAACAACCACCAACTCT[T>C]GAGCAATTCAAAGAACAGGCAAGGAAAACCCTTAGCATTTAATGTAGTGAAATGGCTTTT-3'
Protein context (NP_001264044.1, residues 1069-1089): NEEIPEQPPT[Leu1079=]EQFKEQIDIY